The following is an entry in ClinVar:

ClinVar aggregate classification (germline): Uncertain significance (1 of 4 stars; one submission).

Conditions:
Microcephaly-intellectual disability-sensorineural hearing loss-epilepsy-abnormal muscle tone syndrome (NEDHSB). Also called: NEURODEVELOPMENTAL DISORDER WITH HEARING LOSS, SEIZURES, AND BRAIN ABNORMALITIES. Identifiers: Orphanet 457351, MedGen C4225276, MONDO:0014698, OMIM 616577.

Submission:

Labcorp Genetics (formerly Invitae), Labcorp
Classification: Uncertain significance for Microcephaly-intellectual disability-sensorineural hearing loss-epilepsy-abnormal muscle tone syndrome. Last evaluated: 2022-05-28. Review status: criteria provided, single submitter. Criteria: Invitae Variant Classification Sherloc (09022015). Collection method: clinical testing. Allele origin: germline.
Comment: In summary, the available evidence is currently insufficient to determine the role of this variant in disease. Therefore, it has been classified as a Variant of Uncertain Significance. Advanced modeling of protein sequence and biophysical properties (such as structural, functional, and spatial information, amino acid conservation, physicochemical variation, residue mobility, and thermodynamic stability) performed at Invitae indicates that this missense variant is expected to disrupt SPATA5 protein function. This variant has not been reported in the literature in individuals affected with SPATA5-related conditions. This variant is not present in population databases (gnomAD no frequency). This sequence change replaces isoleucine, which is neutral and non-polar, with serine, which is neutral and polar, at codon 532 of the SPATA5 protein (p.Ile532Ser).

NM_145207.3(AFG2A):c.1595T>G (p.Ile532Ser)

Gene: AFG2A (AAA ATPase AFG2A; plus strand). Cytogenetic location: 4q28.1.
Variant type: single nucleotide variant.
Coding change: c.1595T>G on transcript NM_145207.3 (MANE Select); coding-DNA position 1595, T replaced by G.
Protein change: p.Ile532Ser; replaces isoleucine 532 with serine.
Molecular consequence: missense variant.
Genome position (GRCh38, 1-based): chr4:122,947,369, T>G. VCF-style: chr4-122947369-T-G. GRCh37 (hg19) VCF-style: chr4-123868524-T-G.
Other names: c.1592T>G, p.Ile531Ser (NM_001317799.2, NM_001345856.2); short protein forms I532S, I531S.
Identifiers: ClinVar variation 1999907 (VCV001999907.3), dbSNP rs2477022975, ClinGen allele CA358108313.